The following is an entry in ClinVar:

ClinVar aggregate classification (germline): Uncertain significance (1 of 4 stars; one submission).

Conditions:
Ullrich congenital muscular dystrophy 2 (UCMD2). Identifiers: Orphanet 75840, MedGen C4225314, MONDO:0014654, OMIM 616470.
Bethlem myopathy 2 (BTHLM2). Identifiers: Orphanet 536516, Orphanet 610, MedGen C4225313, MONDO:0034022, OMIM 616471.

gnomAD v4.1: 5 of 1,613,610 alleles (0.00031%); highest among the groups gnomAD compares: Non-Finnish European, 0.00042%; no homozygotes.

Submission:

Labcorp Genetics (formerly Invitae), Labcorp
Classification: Uncertain significance for Bethlem myopathy 2; Ullrich congenital muscular dystrophy 2. Last evaluated: 2024-10-17. Review status: criteria provided, single submitter. Criteria: Invitae Variant Classification Sherloc (09022015). Collection method: clinical testing. Allele origin: germline.
Comment: This sequence change replaces proline, which is neutral and non-polar, with serine, which is neutral and polar, at codon 1247 of the COL12A1 protein (p.Pro1247Ser). This variant is present in population databases (rs758937401, gnomAD 0.0009%). This variant has not been reported in the literature in individuals affected with COL12A1-related conditions. Invitae Evidence Modeling of protein sequence and biophysical properties (such as structural, functional, and spatial information, amino acid conservation, physicochemical variation, residue mobility, and thermodynamic stability) indicates that this missense variant is expected to disrupt COL12A1 protein function with a positive predictive value of 80%. In summary, the available evidence is currently insufficient to determine the role of this variant in disease. Therefore, it has been classified as a Variant of Uncertain Significance.

NM_004370.6(COL12A1):c.3739C>T (p.Pro1247Ser)

Gene: COL12A1 (collagen type XII alpha 1 chain; minus strand). Cytogenetic location: 6q13.
Variant type: single nucleotide variant.
Coding change: c.3739C>T on transcript NM_004370.6 (MANE Select); coding-DNA position 3739, C replaced by T.
Protein change: p.Pro1247Ser; replaces proline 1247 with serine.
Molecular consequence: missense variant.
Genome position (GRCh38, 1-based): chr6:75,152,227, G>A on the plus strand (C>T on the coding strand, the complement: COL12A1 is on the minus strand). VCF-style: chr6-75152227-G-A. GRCh37 (hg19) VCF-style: chr6-75861943-G-A.
Other names: c.3739C>T, p.Pro1247Ser (NM_001424113.1, NM_001424114.1); c.247C>T, p.Pro83Ser (NM_080645.3, NM_001424116.1); c.3466C>T, p.Pro1156Ser (NM_001424115.1); short protein forms P1156S, P1247S, P83S.
Identifiers: ClinVar variation 3761600 (VCV003761600.2).